The following is an entry in ClinVar:

ClinVar aggregate classification (germline): Uncertain significance. Review status: criteria provided, multiple submitters, no conflicts (2 of 4 stars). 2 submissions from 2 submitters: Uncertain significance (2). Last evaluated 2022-04-10.

Conditions:
Hereditary cancer-predisposing syndrome. Also called: Hereditary Cancer Syndrome; Hereditary neoplastic syndrome; Tumor predisposition; Neoplastic Syndromes, Hereditary. Identifiers: Orphanet 140162, MedGen C0027672, MeSH D009386, MONDO:0015356.

Allele frequency attached by ClinVar (database versions not stated): TOPMed below 0.00001.

Submissions (2):

Ambry Genetics
Classification: Uncertain significance for Hereditary cancer-predisposing syndrome. Last evaluated: 2022-04-10. Review status: criteria provided, single submitter. Criteria: Ambry Variant Classification Scheme 2023. Collection method: clinical testing. Allele origin: germline.
Comment: The p.I973T variant (also known as c.2918T>C), located in coding exon 21 of the MSH3 gene, results from a T to C substitution at nucleotide position 2918. The isoleucine at codon 973 is replaced by threonine, an amino acid with similar properties. This amino acid position is conserved. In addition, this alteration is predicted to be deleterious by in silico analysis. Since supporting evidence is limited at this time, the clinical significance of this alteration remains unclear.

Labcorp Genetics (formerly Invitae), Labcorp
Classification: Uncertain significance. Last evaluated: 2019-12-23. Review status: criteria provided, single submitter. Criteria: Invitae Variant Classification Sherloc (09022015). Collection method: clinical testing. Allele origin: germline.
Comment: In summary, the available evidence is currently insufficient to determine the role of this variant in disease. Therefore, it has been classified as a Variant of Uncertain Significance. Algorithms developed to predict the effect of missense changes on protein structure and function are either unavailable or do not agree on the potential impact of this missense change (SIFT: "Deleterious"; PolyPhen-2: "Probably Damaging"; Align-GVGD: "Class C0"). This variant has not been reported in the literature in individuals with MSH3-related conditions. This variant is not present in population databases (ExAC no frequency). This sequence change replaces isoleucine with threonine at codon 973 of the MSH3 protein (p.Ile973Thr). The isoleucine residue is moderately conserved and there is a moderate physicochemical difference between isoleucine and threonine.

NM_002439.5(MSH3):c.2918T>C (p.Ile973Thr)

Gene: MSH3 (mutS homolog 3; plus strand). Cytogenetic location: 5q14.1.
Variant type: single nucleotide variant.
Coding change: c.2918T>C on transcript NM_002439.5 (MANE Select); coding-DNA position 2918, T replaced by C.
Protein change: p.Ile973Thr; replaces isoleucine 973 with threonine.
Molecular consequence: missense variant.
Genome position (GRCh38, 1-based): chr5:80,854,234, T>C. VCF-style: chr5-80854234-T-C. GRCh37 (hg19) VCF-style: chr5-80150053-T-C.
Other names: short protein forms I973T.
Identifiers: ClinVar variation 841178 (VCV000841178.12), dbSNP rs1745878920, ClinGen allele CA360275686.